The following is an entry in ClinVar:

NM_138348.6(OTULIN):c.99G>A (p.Gly33=)

Gene: OTULIN (OTU deubiquitinase with linear linkage specificity; plus strand). Cytogenetic location: 5p15.2.
Variant type: single nucleotide variant.
Coding change: c.99G>A on transcript NM_138348.6 (MANE Select); coding-DNA position 99, G replaced by A.
Protein change: p.Gly33=; no amino-acid change (glycine 33 retained).
Molecular consequence: synonymous variant.
Genome position (GRCh38, 1-based): chr5:14,664,924, G>A. VCF-style: chr5-14664924-G-A. GRCh37 (hg19) VCF-style: chr5-14665033-G-A.
Other names: c.99G>A (NM_138348.5).
Identifiers: ClinVar variation 1671126 (VCV001671126.11), dbSNP rs1194184247, ClinGen allele CA443287344.
Genomic context (GRCh38, chr5:14,664,924, plus strand): 5'-AGGCGCGAGCTGCGCCGAGACGCCGGCGCGGGAGGCGGCGGCCACGGCGCGGGACGGCGG[G>A]AAGGCGGCGGCCAGCGGGCAGCCGCGGCCCGAGATGCAGTGCCCGGCCGAGCAGTGAGTC-3'
Protein context (NP_612357.4, residues 23-43): REAAATARDG[Gly33=]KAAASGQPRP

ClinVar aggregate classification (germline): Likely benign. Review status: criteria provided, multiple submitters, no conflicts (2 of 4 stars). 3 submissions from 3 submitters: Likely benign (2). 1 of the submissions does not count toward it. Last evaluated 2025-10-06.

Conditions:
OTULIN-related disorder. Also called: OTULIN-related condition.

Allele frequency attached by ClinVar (database versions not stated): gnomAD exomes 0.00001.
gnomAD v4.1: 15 of 1,171,610 alleles (0.0013%); highest among the groups gnomAD compares: Non-Finnish European, 0.0015%; no homozygotes.

Submissions (3):

Labcorp Genetics (formerly Invitae), Labcorp
Classification: Likely benign. Last evaluated: 2025-10-06. Review status: criteria provided, single submitter. Criteria: Invitae Variant Classification Sherloc (09022015). Collection method: clinical testing. Allele origin: germline.

Blueprint Genetics
Classification: Likely benign. Last evaluated: 2024-04-22. Review status: criteria provided, single submitter. Criteria: ACMG Guidelines, 2015. Collection method: clinical testing. Allele origin: germline.

PreventionGenetics, part of Exact Sciences
Classification: Likely benign for OTULIN-related condition. Last evaluated: 2023-10-05. Review status: no assertion criteria provided. Collection method: clinical testing. Allele origin: germline. Not counted in ClinVar's aggregate classification.
Comment: This variant is classified as likely benign based on ACMG/AMP sequence variant interpretation guidelines (Richards et al. 2015 PMID: 25741868, with internal and published modifications).